The following is an entry in ClinVar:

ClinVar aggregate classification (germline): Pathogenic (1 of 4 stars; one submission).

Conditions:
Glycogen storage disease, type VII (GSD7). Also called: GSD VII; MUSCLE PHOSPHOFRUCTOKINASE DEFICIENCY; PFKM DEFICIENCY; TARUI DISEASE. Identifiers: Orphanet 371, MedGen C0017926, MONDO:0009295, OMIM 232800.

Submission:

Myriad Genetics, Inc.
Classification: Pathogenic for Glycogen storage disease, type VII. Last evaluated: 2025-01-03. Review status: criteria provided, single submitter. Criteria: Myriad Autosomal Dominant, Autosomal Recessive and X-Linked Classification Criteria (2023). Collection method: clinical testing. Allele origin: unknown.
Comment: NM_001166686.1(PFKM):c.1523_1526delATGA(H508Lfs*11) is expected to be pathogenic in the context of glycogen storage disease, PFKM-related. This variant is predicted to lead to an abnormal or absent protein product due to the creation of a premature termination codon in PFKM, a gene where loss-of-function variants are known to be pathogenic. Please note: this variant was assessed in the context of healthy population screening.

NM_000289.6(PFKM):c.1310_1313del (p.His437fs)

Gene: PFKM (phosphofructokinase, muscle; plus strand). Cytogenetic location: 12q13.11.
Variant type: Deletion.
Coding change: c.1310_1313del on transcript NM_000289.6 (MANE Select); coding-DNA positions 1310 to 1313, 4 bases deleted (ATGA; older notation c.1310_1313delATGA).
Protein change: p.His437fs; shifts the reading frame from histidine 437.
Molecular consequence: frameshift variant. On other transcripts: non-coding transcript variant (6).
Genome position (GRCh38, 1-based): chr12:48,140,840-48,140,843, ATGA deleted. VCF-style (leftmost placement, unchanged base first): chr12-48140839-CATGA-C. GRCh37 (hg19) VCF-style: chr12-48534622-CATGA-C.
Other names: c.1523_1526del, p.His508fs (NM_001166686.2, NM_001354737.1, NM_001354738.1 and 1 more transcripts); c.1310_1313del, p.His437fs (NM_001166687.2, NM_001166688.2, NM_001354742.2 and 2 more transcripts); c.1619_1622del, p.His540fs (NM_001354735.1, NM_001354736.1); c.1454_1457del, p.His485fs (NM_001354740.1); c.1334_1337del, p.His445fs (NM_001354741.2); c.1223_1226del, p.His408fs (NM_001354745.2); c.1184_1187del, p.His395fs (NM_001354746.2); c.1160_1163del, p.His387fs (NM_001354747.2, NM_001354748.2); and 2 more; short protein forms H387fs, H395fs, H406fs, H408fs, H437fs, H445fs, H477fs, H485fs.
Identifiers: ClinVar variation 5013923 (VCV005013923.1).
Genomic context (GRCh38, chr12:48,140,839, plus strand): 5'-GCTGCTGTTCGCTCCACTGTGAGGATTGGCCTTATCCAGGGCAACCGAGTGCTCGTTGTC[CATGA>C]TGGTTTCGAGGGCCTGGCCAAGGGGCAGGTATGGGGACTATTCTGGGACCTAGGAGCAGT-3'